The following is an entry in ClinVar:

ClinVar aggregate classification (germline): Benign/Likely benign. Review status: criteria provided, multiple submitters, no conflicts (2 of 4 stars). 3 submissions from 3 submitters: Benign (1); Likely benign (2). Last evaluated 2026-04-15.

Conditions:
Hereditary cancer-predisposing syndrome. Also called: Hereditary neoplastic syndrome; Neoplastic Syndromes, Hereditary; Hereditary Cancer Syndrome; Tumor predisposition. Identifiers: Orphanet 140162, MedGen C0027672, MeSH D009386, MONDO:0015356.
DICER1-related tumor predisposition. Also called: DICER1-related pleuropulmonary blastoma cancer predisposition syndrome; DICER1 syndrome. Identifiers: Orphanet 284343, MedGen C3839822, MONDO:0100216.

Submissions (3):

Myriad Genetics, Inc.
Classification: Benign for DICER1-related tumor predisposition. Last evaluated: 2026-04-15. Review status: criteria provided, single submitter. Criteria: Myriad Autosomal Dominant, Autosomal Recessive and X-Linked Classification Criteria (2023). Collection method: clinical testing. Allele origin: unknown.
Comment: This variant is considered benign. This variant is a silent/synonymous amino acid change and it is not expected to impact splicing.

Labcorp Genetics (formerly Invitae), Labcorp
Classification: Likely benign for DICER1-related tumor predisposition. Last evaluated: 2025-11-05. Review status: criteria provided, single submitter. Criteria: Invitae Variant Classification Sherloc (09022015). Collection method: clinical testing. Allele origin: germline.

Ambry Genetics
Classification: Likely benign for Hereditary cancer-predisposing syndrome. Last evaluated: 2017-06-07. Review status: criteria provided, single submitter. Criteria: Ambry Variant Classification Scheme 2023. Collection method: clinical testing. Allele origin: germline.

NM_177438.3(DICER1):c.1260G>A (p.Glu420=)

Gene: DICER1 (dicer 1, ribonuclease III; minus strand). Cytogenetic location: 14q32.13.
Variant type: single nucleotide variant.
Coding change: c.1260G>A on transcript NM_177438.3 (MANE Select); coding-DNA position 1260, G replaced by A.
Protein change: p.Glu420=; no amino-acid change (glutamic acid 420 retained).
Molecular consequence: synonymous variant.
Genome position (GRCh38, 1-based): chr14:95,124,312, C>T on the plus strand (G>A on the coding strand, the complement: DICER1 is on the minus strand). VCF-style: chr14-95124312-C-T. GRCh37 (hg19) VCF-style: chr14-95590649-C-T.
Other names: c.1260G>A, p.Glu420= (NM_001195573.1, NM_001271282.3, NM_001291628.2 and 1 more transcripts).
Identifiers: ClinVar variation 485536 (VCV000485536.18), dbSNP rs1445242124, ClinGen allele CA487845185.